The following is an entry in ClinVar:

NM_020207.7(ERCC6L2):c.2821AAT[1] (p.Asn942del)

Gene: ERCC6L2 (ERCC excision repair 6 like 2; plus strand). Cytogenetic location: 9q22.32.
Variant type: Microsatellite.
Coding change: c.2821AAT[1] on transcript NM_020207.7 (MANE Select); one copy of the 3-base unit AAT starting at c.2821; the reference has two copies in a row; one copy, 3 bases deleted.
Protein change: p.Asn942del; deletes asparagine 942.
Molecular consequence: inframe deletion. On other transcripts: non-coding transcript variant (1).
Genome position (GRCh38, 1-based): chr9:95,972,575-95,972,577, AAT deleted; deleting any 3 consecutive bases within chr9:95,972,572-95,972,577 gives the same sequence; the position shown is the placement nearest the transcript's 3' end. VCF-style (leftmost placement, unchanged base first): chr9-95972571-AAAT-A. GRCh37 (hg19) VCF-style: chr9-98734853-AAAT-A.
Other names: c.2821AAT[1], p.Asn942del (NM_001375291.1, NM_001375292.1, NM_001375293.1 and 1 more transcripts); short protein forms N942del.
Identifiers: ClinVar variation 1909838 (VCV001909838.5), dbSNP rs1315239301, ClinGen allele CA589285409.

ClinVar aggregate classification (germline): Uncertain significance. Review status: criteria provided, multiple submitters, no conflicts (2 of 4 stars). 2 submissions from 2 submitters: Uncertain significance (2). Last evaluated 2024-06-13.

Submissions (2):

Blueprint Genetics
Classification: Uncertain significance. Last evaluated: 2024-06-13. Review status: criteria provided, single submitter. Criteria: ACMG Guidelines, 2015. Collection method: clinical testing. Allele origin: germline.

Labcorp Genetics (formerly Invitae), Labcorp
Classification: Uncertain significance. Last evaluated: 2024-01-22. Review status: criteria provided, single submitter. Criteria: Invitae Variant Classification Sherloc (09022015). Collection method: clinical testing. Allele origin: germline.
Comment: This variant, c.2857_2859del, results in the deletion of 1 amino acid(s) of the ERCC6L2 protein (p.Asn953del), but otherwise preserves the integrity of the reading frame. This variant is present in population databases (no rsID available, gnomAD 0.01%). This variant has not been reported in the literature in individuals affected with ERCC6L2-related conditions. Experimental studies and prediction algorithms are not available or were not evaluated, and the functional significance of this variant is currently unknown. In summary, the available evidence is currently insufficient to determine the role of this variant in disease. Therefore, it has been classified as a Variant of Uncertain Significance.